The following is an entry in ClinVar:

NM_001113378.2(FANCI):c.1637A>G (p.Asn546Ser)

Gene: FANCI (FA complementation group I; plus strand). Cytogenetic location: 15q26.1.
Variant type: single nucleotide variant.
Coding change: c.1637A>G on transcript NM_001113378.2 (MANE Select); coding-DNA position 1637, A replaced by G.
Protein change: p.Asn546Ser; replaces asparagine 546 with serine.
Molecular consequence: missense variant.
Genome position (GRCh38, 1-based): chr15:89,283,189, A>G. VCF-style: chr15-89283189-A-G. GRCh37 (hg19) VCF-style: chr15-89826420-A-G.
Other names: c.1358A>G, p.Asn453Ser (NM_001376910.1); c.1637A>G, p.Asn546Ser (NM_001376911.1, NM_018193.3); short protein forms N453S, N546S.
Identifiers: ClinVar variation 2082155 (VCV002082155.1), dbSNP rs747569666, ClinGen allele CA7723089.

ClinVar aggregate classification (germline): Uncertain significance (1 of 4 stars; one submission).

Conditions:
Fanconi anemia (FA). Also called: Fanconi's anemia. Identifiers: Orphanet 84, MedGen C0015625, MeSH D005199, MONDO:0019391.

Allele frequency attached by ClinVar (database versions not stated): TOPMed below 0.00001; ExAC 0.00001; gnomAD 0.00001.
gnomAD v4.1: 1 of 1,614,060 alleles (0.000062%); highest among the groups gnomAD compares: African/African-American, 0.0013%; no homozygotes.

Submission:

Labcorp Genetics (formerly Invitae), Labcorp
Classification: Uncertain significance for Fanconi anemia. Last evaluated: 2022-05-02. Review status: criteria provided, single submitter. Criteria: Invitae Variant Classification Sherloc (09022015). Collection method: clinical testing. Allele origin: germline.
Comment: This sequence change replaces asparagine, which is neutral and polar, with serine, which is neutral and polar, at codon 546 of the FANCI protein (p.Asn546Ser). This variant is present in population databases (rs747569666, gnomAD 0.007%). This variant has not been reported in the literature in individuals affected with FANCI-related conditions. Algorithms developed to predict the effect of missense changes on protein structure and function are either unavailable or do not agree on the potential impact of this missense change (SIFT: "Tolerated"; PolyPhen-2: "Possibly Damaging"; Align-GVGD: "Class C0"). In summary, the available evidence is currently insufficient to determine the role of this variant in disease. Therefore, it has been classified as a Variant of Uncertain Significance.